The following is an entry in ClinVar:

NM_002439.5(MSH3):c.2360A>T (p.Glu787Val)

Gene: MSH3 (mutS homolog 3; plus strand). Cytogenetic location: 5q14.1.
Variant type: single nucleotide variant.
Coding change: c.2360A>T on transcript NM_002439.5 (MANE Select); coding-DNA position 2360, A replaced by T.
Protein change: p.Glu787Val; replaces glutamic acid 787 with valine.
Molecular consequence: missense variant.
Genome position (GRCh38, 1-based): chr5:80,778,761, A>T. VCF-style: chr5-80778761-A-T. GRCh37 (hg19) VCF-style: chr5-80074580-A-T.
Other names: short protein forms E787V.
Identifiers: ClinVar variation 1061915 (VCV001061915.9), dbSNP rs139119736, ClinGen allele CA360281783.

ClinVar aggregate classification (germline): Uncertain significance (1 of 4 stars; one submission).

Submission:

Labcorp Genetics (formerly Invitae), Labcorp
Classification: Uncertain significance. Last evaluated: 2025-06-25. Review status: criteria provided, single submitter. Criteria: Invitae Variant Classification Sherloc (09022015). Collection method: clinical testing. Allele origin: germline.
Comment: This sequence change replaces glutamic acid, which is acidic and polar, with valine, which is neutral and non-polar, at codon 787 of the MSH3 protein (p.Glu787Val). This variant is not present in population databases (gnomAD no frequency). This variant has not been reported in the literature in individuals affected with MSH3-related conditions. ClinVar contains an entry for this variant (Variation ID: 1061915). An algorithm developed to predict the effect of missense changes on protein structure and function (PolyPhen-2) suggests that this variant is likely to be disruptive. In summary, the available evidence is currently insufficient to determine the role of this variant in disease. Therefore, it has been classified as a Variant of Uncertain Significance.